The following is an entry in ClinVar:

NM_033160.7(ZNF658):c.1686T>C (p.Ser562=)

Gene: ZNF658 (zinc finger protein 658; plus strand). Cytogenetic location: 9q21.11.
Variant type: single nucleotide variant.
Coding change: c.1686T>C on transcript NM_033160.7 (MANE Select); coding-DNA position 1686, T replaced by C.
Protein change: p.Ser562=; no amino-acid change (serine 562 retained).
Molecular consequence: synonymous variant. On other transcripts: non-coding transcript variant (1).
Genome position (GRCh38, 1-based): chr9:66,919,252, T>C. VCF-style: chr9-66919252-T-C. GRCh37 (hg19) VCF-style: chr9-40773589-A-G.
Other names: c.1686T>C, p.Ser562= (NM_001317916.2).
Identifiers: ClinVar variation 2659212 (VCV002659212.24), dbSNP rs1206117621, ClinGen allele CA465105475.

ClinVar aggregate classification (germline): Likely benign (1 of 4 stars; one submission).

Allele frequency attached by ClinVar (database versions not stated): gnomAD exomes below 0.00001.

Submission:

CeGaT Center for Human Genetics Tuebingen
Classification: Likely benign. Last evaluated: 2023-03-01. Review status: criteria provided, single submitter. Criteria: CeGaT Center For Human Genetics Tuebingen Variant Classification Criteria Version 2. Collection method: clinical testing. Allele origin: germline. Affected: yes. Observed: 1 variant allele.
Comment: ZNF658: BP4, BP7